The following is an entry in ClinVar:

ClinVar aggregate classification (germline): Likely benign. Review status: criteria provided, multiple submitters, no conflicts (2 of 4 stars). 2 submissions from 2 submitters: Likely benign (2). Last evaluated 2024-08-19.

Conditions:
Fanconi anemia (FA). Also called: Fanconi's anemia. Identifiers: Orphanet 84, MedGen C0015625, MeSH D005199, MONDO:0019391.

Allele frequency attached by ClinVar (database versions not stated): gnomAD exomes below 0.00001; TOPMed below 0.00001; gnomAD 0.00001.

Submissions (2):

Labcorp Genetics (formerly Invitae), Labcorp
Classification: Likely benign for Fanconi anemia. Last evaluated: 2024-08-19. Review status: criteria provided, single submitter. Criteria: Invitae Variant Classification Sherloc (09022015). Collection method: clinical testing. Allele origin: germline.

CeGaT Center for Human Genetics Tuebingen
Classification: Likely benign. Last evaluated: 2023-07-01. Review status: criteria provided, single submitter. Criteria: CeGaT Center For Human Genetics Tuebingen Variant Classification Criteria Version 2. Collection method: clinical testing. Allele origin: germline. Affected: yes. Observed: 1 variant allele.
Comment: SLX4: BP4, BP7

NM_032444.4(SLX4):c.1014T>C (p.Ile338=)

Gene: SLX4 (SLX4 structure-specific endonuclease subunit; minus strand). Cytogenetic location: 16p13.3.
Variant type: single nucleotide variant.
Coding change: c.1014T>C on transcript NM_032444.4 (MANE Select); coding-DNA position 1014, T replaced by C.
Protein change: p.Ile338=; no amino-acid change (isoleucine 338 retained).
Molecular consequence: synonymous variant.
Genome position (GRCh38, 1-based): chr16:3,601,128, A>G on the plus strand (T>C on the coding strand, the complement: SLX4 is on the minus strand). VCF-style: chr16-3601128-A-G. GRCh37 (hg19) VCF-style: chr16-3651129-A-G.
Identifiers: ClinVar variation 2646118 (VCV002646118.27), dbSNP rs1355996570, ClinGen allele CA493269451.
Genomic context (GRCh38, chr16:3,601,128, plus strand): 5'-CACAGCACACTGCTTCAAGTGACTGGTTCTGCTCTTTAAGGTAAGAAACGGTTTCCCACA[A>G]ATCGGGCACTCAGGGATCTGAGGCACAGAAGGTCTTAGTGTCTTTTCAGCTTCATCCAAG-3'
Protein context (NP_115820.2, residues 328-348): PSVPQIPECP[Ile338=]CGKPFLTLKS